The following is an entry in ClinVar:

ClinVar aggregate classification (germline): Uncertain significance (1 of 4 stars; one submission).

Conditions:
Hereditary spastic paraplegia 48. Also called: Spastic paraplegia 48; SPASTIC PARAPLEGIA 48, AUTOSOMAL RECESSIVE. Identifiers: Orphanet 306511, MedGen C3150901, MONDO:0013342, OMIM 613647.

Allele frequency attached by ClinVar (database versions not stated): gnomAD exomes below 0.00001; TOPMed below 0.00001; ExAC 0.00003.
gnomAD v4.1: 1 of 1,565,242 alleles (0.000064%); highest among the groups gnomAD compares: Non-Finnish European, 0.000086%; no homozygotes.

Submission:

Labcorp Genetics (formerly Invitae), Labcorp
Classification: Uncertain significance for Hereditary spastic paraplegia 48. Last evaluated: 2023-08-04. Review status: criteria provided, single submitter. Criteria: Invitae Variant Classification Sherloc (09022015). Collection method: clinical testing. Allele origin: germline.
Comment: In summary, the available evidence is currently insufficient to determine the role of this variant in disease. Therefore, it has been classified as a Variant of Uncertain Significance. Advanced modeling of protein sequence and biophysical properties (such as structural, functional, and spatial information, amino acid conservation, physicochemical variation, residue mobility, and thermodynamic stability) performed at Invitae indicates that this missense variant is not expected to disrupt AP5Z1 protein function. ClinVar contains an entry for this variant (Variation ID: 1961156). This variant has not been reported in the literature in individuals affected with AP5Z1-related conditions. The frequency data for this variant in the population databases is considered unreliable, as metrics indicate poor data quality at this position in the gnomAD database. This sequence change replaces serine, which is neutral and polar, with proline, which is neutral and non-polar, at codon 363 of the AP5Z1 protein (p.Ser363Pro).

NM_014855.3(AP5Z1):c.1087T>C (p.Ser363Pro)

Gene: AP5Z1 (adaptor related protein complex 5 subunit zeta 1; plus strand). Cytogenetic location: 7p22.1.
Variant type: single nucleotide variant.
Coding change: c.1087T>C on transcript NM_014855.3 (MANE Select); coding-DNA position 1087, T replaced by C.
Protein change: p.Ser363Pro; replaces serine 363 with proline.
Molecular consequence: missense variant. On other transcripts: non-coding transcript variant (1).
Genome position (GRCh38, 1-based): chr7:4,785,639, T>C. VCF-style: chr7-4785639-T-C. GRCh37 (hg19) VCF-style: chr7-4825270-T-C.
Other names: c.619T>C, p.Ser207Pro (NM_001364858.1); short protein forms S207P, S363P.
Identifiers: ClinVar variation 1961156 (VCV001961156.5), dbSNP rs766834510, ClinGen allele CA4137594.
Genomic context (GRCh38, chr7:4,785,639, plus strand): 5'-CTGTACCGAAGTCTCTCCTGCCTGAAGGCCCTGCACGGGCGGGTGCGCGGGGACCCGGCC[T>C]CTGTGCGGGTGCTGCTGCCCCTCGCCCACTTCTTCCTGAGCCACGGTGAGCCCAGGGTGG-3'
Protein context (NP_055670.1, residues 353-373): LHGRVRGDPA[Ser363Pro]VRVLLPLAHF